The following is an entry in ClinVar:

ClinVar aggregate classification (germline): Uncertain significance. Review status: criteria provided, multiple submitters, no conflicts (2 of 4 stars). 6 submissions from 6 submitters: Uncertain significance (5). 1 of the submissions does not count toward it. Last evaluated 2025-12-05.

Conditions:
Inborn genetic diseases. Identifiers: MedGen C0950123, MeSH D030342.
Familial isolated deficiency of vitamin E (AVED). Also called: ATAXIA, FRIEDREICH-LIKE, WITH SELECTIVE VITAMIN E DEFICIENCY; Ataxia with isolated vitamin E deficiency. Identifiers: Orphanet 96, MedGen C1848533, MONDO:0010188, OMIM 277460.

Allele frequency attached by ClinVar (database versions not stated): gnomAD exomes 0.00001 and 0.00004; ExAC 0.00007; ESP Exome Variant Server 0.00008; gnomAD 0.00017 and 0.00018; TOPMed 0.00020; 1000 Genomes Project 30x 0.00062; 1000 Genomes Project 0.00080.
gnomAD v4.1: 47 of 1,613,862 alleles (0.0029%); highest among the groups gnomAD compares: African/African-American, 0.059%; no homozygotes.

Submissions (6):

Labcorp Genetics (formerly Invitae), Labcorp
Classification: Uncertain significance. Last evaluated: 2025-12-05. Review status: criteria provided, single submitter. Criteria: Invitae Variant Classification Sherloc (09022015). Collection method: clinical testing. Allele origin: germline.
Comment: This sequence change replaces aspartic acid, which is acidic and polar, with tyrosine, which is neutral and polar, at codon 254 of the TTPA protein (p.Asp254Tyr). This variant is present in population databases (rs374606907, gnomAD 0.07%). This variant has not been reported in the literature in individuals affected with TTPA-related conditions. ClinVar contains an entry for this variant (Variation ID: 1256477). Invitae Evidence Modeling of protein sequence and biophysical properties (such as structural, functional, and spatial information, amino acid conservation, physicochemical variation, residue mobility, and thermodynamic stability) indicates that this missense variant is not expected to disrupt TTPA protein function with a negative predictive value of 80%. In summary, the available evidence is currently insufficient to determine the role of this variant in disease. Therefore, it has been classified as a Variant of Uncertain Significance.

Ambry Genetics
Classification: Uncertain significance for Inborn genetic diseases. Last evaluated: 2025-05-06. Review status: criteria provided, single submitter. Criteria: Ambry Variant Classification Scheme 2023. Collection method: clinical testing. Allele origin: germline.

Athena Diagnostics
Classification: Uncertain significance. Last evaluated: 2024-02-01. Review status: criteria provided, single submitter. Criteria: Athena Diagnostics Criteria. Collection method: clinical testing. Allele origin: unknown.
Comment: Available data are insufficient to determine the clinical significance of the variant at this time. The frequency of this variant in the general population is uninformative in assessment of its pathogenicity. Computational tools predict that this variant is damaging.

Blueprint Genetics
Classification: Uncertain significance. Last evaluated: 2022-11-08. Review status: criteria provided, single submitter. Criteria: ACMG Guidelines, 2015. Collection method: clinical testing. Allele origin: germline.

Breakthrough Genomics
Classification: Uncertain significance. Review status: criteria provided, single submitter. Criteria: ACMG Guidelines, 2015. Collection method: not provided. Allele origin: germline. Inheritance: Autosomal recessive inheritance. Affected: yes.

Natera, Inc.
Classification: Uncertain significance for Ataxia with isolated vitamin E deficiency. Last evaluated: 2020-07-29. Review status: no assertion criteria provided. Collection method: clinical testing. Allele origin: germline. Not counted in ClinVar's aggregate classification.

NM_000370.3(TTPA):c.760G>T (p.Asp254Tyr)

Gene: TTPA (alpha tocopherol transfer protein; minus strand). Cytogenetic location: 8q12.3.
Variant type: single nucleotide variant.
Coding change: c.760G>T on transcript NM_000370.3 (MANE Select); coding-DNA position 760, G replaced by T.
Protein change: p.Asp254Tyr; replaces aspartic acid 254 with tyrosine.
Molecular consequence: missense variant.
Genome position (GRCh38, 1-based): chr8:63,061,329, C>A on the plus strand (G>T on the coding strand, the complement: TTPA is on the minus strand). VCF-style: chr8-63061329-C-A. GRCh37 (hg19) VCF-style: chr8-63973888-C-A.
Other names: short protein forms D254Y.
Identifiers: ClinVar variation 1256477 (VCV001256477.10), dbSNP rs374606907, ClinGen allele CA4763145.
Genomic context (GRCh38, chr8:63,061,329, plus strand): 5'-AAATGCTGCTGAGATAATCTTCAGACTTCATTATAAAATTTGTCCATTCCTGACAAATGT[C>A]CTCCATGGAGAATTCTTCACCACCATATTCCAGAGGAAGAATGTCTGGGAAATGCTGAAG-3'
Protein context (NP_000361.1, residues 244-264): EYGGEEFSME[Asp254Tyr]ICQEWTNFIM